The following is an entry in ClinVar:

ClinVar aggregate classification (germline): Benign/Likely benign. Review status: criteria provided, multiple submitters, no conflicts (2 of 4 stars). 4 submissions from 4 submitters: Benign (1); Likely benign (3). Last evaluated 2024-04-09.

Conditions:
Hereditary cancer-predisposing syndrome. Also called: Tumor predisposition; Hereditary neoplastic syndrome; Neoplastic Syndromes, Hereditary; Hereditary Cancer Syndrome. Identifiers: Orphanet 140162, MedGen C0027672, MeSH D009386, MONDO:0015356.
Familial adenomatous polyposis 1 (FAP1). Also called: POLYPOSIS, ADENOMATOUS INTESTINAL; FAMILIAL ADENOMATOUS POLYPOSIS 1, ATTENUATED. Identifiers: MedGen C2713442, MONDO:0021056, OMIM 175100. Disease mechanism: loss of function.

gnomAD v4.1: 1 of 1,613,894 alleles (0.000062%); no homozygotes.

Submissions (4):

Myriad Genetics, Inc.
Classification: Benign for Familial adenomatous polyposis 1. Last evaluated: 2024-04-09. Review status: criteria provided, single submitter. Criteria: Myriad Autosomal Dominant, Autosomal Recessive and X-Linked Classification Criteria (2023). Collection method: clinical testing. Allele origin: unknown.
Comment: This variant is considered benign. This variant is a silent/synonymous amino acid change and it is not expected to impact splicing.

Labcorp Genetics (formerly Invitae), Labcorp
Classification: Likely benign for Familial adenomatous polyposis 1. Last evaluated: 2024-02-11. Review status: criteria provided, single submitter. Criteria: Invitae Variant Classification Sherloc (09022015). Collection method: clinical testing. Allele origin: germline.

Ambry Genetics
Classification: Likely benign for Hereditary cancer-predisposing syndrome. Last evaluated: 2022-06-11. Review status: criteria provided, single submitter. Criteria: Ambry Variant Classification Scheme 2023. Collection method: clinical testing. Allele origin: germline.

GeneDx
Classification: Likely benign. Last evaluated: 2017-03-07. Review status: criteria provided, single submitter. Criteria: GeneDx Variant Classification (06012015). Collection method: clinical testing. Allele origin: germline. Affected: yes.
Comment: This variant is considered likely benign or benign based on one or more of the following criteria: it is a conservative change, it occurs at a poorly conserved position in the protein, it is predicted to be benign by multiple in silico algorithms, and/or has population frequency not consistent with disease.

NM_000038.6(APC):c.7446A>C (p.Pro2482=)

Gene: APC (APC regulator of Wnt signaling pathway; plus strand). Cytogenetic location: 5q22.2.
Variant type: single nucleotide variant.
Coding change: c.7446A>C on transcript NM_000038.6 (MANE Select); coding-DNA position 7446, A replaced by C.
Protein change: p.Pro2482=; no amino-acid change (proline 2482 retained).
Molecular consequence: synonymous variant.
Genome position (GRCh38, 1-based): chr5:112,843,040, A>C. VCF-style: chr5-112843040-A-C. GRCh37 (hg19) VCF-style: chr5-112178737-A-C.
Other names: c.7446A>C, p.Pro2482= (NM_001127510.3, NM_001354895.2); c.7392A>C, p.Pro2464= (NM_001127511.3); c.7500A>C, p.Pro2500= (NM_001354896.2); c.7476A>C, p.Pro2492= (NM_001354897.2); c.7371A>C, p.Pro2457= (NM_001354898.2); c.7362A>C, p.Pro2454= (NM_001354899.2); c.7323A>C, p.Pro2441= (NM_001354900.2); c.7269A>C, p.Pro2423= (NM_001354901.2); and 5 more.
Identifiers: ClinVar variation 516990 (VCV000516990.14), dbSNP rs780091029, ClinGen allele CA446210699.